The following is an entry in ClinVar:

NM_005732.4(RAD50):c.860G>A (p.Ser287Asn)

Gene: RAD50 (RAD50 double strand break repair protein; plus strand). Cytogenetic location: 5q31.1.
Variant type: single nucleotide variant.
Coding change: c.860G>A on transcript NM_005732.4 (MANE Select); coding-DNA position 860, G replaced by A.
Protein change: p.Ser287Asn; replaces serine 287 with asparagine.
Molecular consequence: missense variant.
Genome position (GRCh38, 1-based): chr5:132,587,665, G>A. VCF-style: chr5-132587665-G-A. GRCh37 (hg19) VCF-style: chr5-131923357-G-A.
Other names: short protein forms S287N.
Identifiers: ClinVar variation 1415969 (VCV001415969.8), dbSNP rs1750619000, ClinGen allele CA360940488.

ClinVar aggregate classification (germline): Uncertain significance. Review status: criteria provided, multiple submitters, no conflicts (2 of 4 stars). 2 submissions from 2 submitters: Uncertain significance (2). Last evaluated 2022-03-14.

Conditions:
Hereditary cancer-predisposing syndrome. Also called: Hereditary Cancer Syndrome; Tumor predisposition; Hereditary neoplastic syndrome; Neoplastic Syndromes, Hereditary. Identifiers: Orphanet 140162, MedGen C0027672, MeSH D009386, MONDO:0015356.

Allele frequency attached by ClinVar (database versions not stated): gnomAD 0.00001.

Submissions (2):

Ambry Genetics
Classification: Uncertain significance for Hereditary cancer-predisposing syndrome. Last evaluated: 2022-03-14. Review status: criteria provided, single submitter. Criteria: Ambry Variant Classification Scheme 2023. Collection method: clinical testing. Allele origin: germline.
Comment: The p.S287N variant (also known as c.860G>A), located in coding exon 6 of the RAD50 gene, results from a G to A substitution at nucleotide position 860. The serine at codon 287 is replaced by asparagine, an amino acid with highly similar properties. This amino acid position is conserved. In addition, this alteration is predicted to be tolerated by in silico analysis. Since supporting evidence is limited at this time, the clinical significance of this alteration remains unclear.

Labcorp Genetics (formerly Invitae), Labcorp
Classification: Uncertain significance for Hereditary cancer-predisposing syndrome. Last evaluated: 2021-09-21. Review status: criteria provided, single submitter. Criteria: Invitae Variant Classification Sherloc (09022015). Collection method: clinical testing. Allele origin: germline.
Comment: In summary, the available evidence is currently insufficient to determine the role of this variant in disease. Therefore, it has been classified as a Variant of Uncertain Significance. This sequence change replaces serine with asparagine at codon 287 of the RAD50 protein (p.Ser287Asn). The serine residue is moderately conserved and there is a small physicochemical difference between serine and asparagine. This variant is not present in population databases (ExAC no frequency). This variant has not been reported in the literature in individuals affected with RAD50-related conditions. Algorithms developed to predict the effect of missense changes on protein structure and function (SIFT, PolyPhen-2, Align-GVGD) all suggest that this variant is likely to be tolerated.